The following is an entry in ClinVar:

ClinVar aggregate classification (germline): Uncertain significance (1 of 4 stars; one submission).

Submission:

Labcorp Genetics (formerly Invitae), Labcorp
Classification: Uncertain significance. Last evaluated: 2022-04-25. Review status: criteria provided, single submitter. Criteria: Invitae Variant Classification Sherloc (09022015). Collection method: clinical testing. Allele origin: germline.
Comment: In summary, the available evidence is currently insufficient to determine the role of this variant in disease. Therefore, it has been classified as a Variant of Uncertain Significance. This variant is not present in population databases (gnomAD no frequency). This variant has not been reported in the literature in individuals affected with TRAK1-related conditions. Variants that disrupt the consensus splice site are a relatively common cause of aberrant splicing (PMID: 17576681, 9536098). Algorithms developed to predict the effect of sequence changes on RNA splicing suggest that this variant may disrupt the consensus splice site. This sequence change falls in intron 11 of the TRAK1 gene. It does not directly change the encoded amino acid sequence of the TRAK1 protein. It affects a nucleotide within the consensus splice site.

Literature cited by the submitters: PubMed 17576681; PubMed 9536098.

NM_001042646.3(TRAK1):c.1190+5G>C

Gene: TRAK1 (trafficking kinesin protein 1; plus strand). Cytogenetic location: 3p22.1.
Variant type: single nucleotide variant.
Coding change: c.1190+5G>C on transcript NM_001042646.3 (MANE Select); 5 bases into the intron after coding-DNA position 1190, G replaced by C.
Molecular consequence: intron variant.
Genome position (GRCh38, 1-based): chr3:42,199,258, G>C. VCF-style: chr3-42199258-G-C. GRCh37 (hg19) VCF-style: chr3-42240750-G-C.
Other names: c.878+5G>C (NM_001349245.1); c.1190+5G>C (NM_001349247.2, NM_001349246.2, NM_001265608.2); c.968+5G>C (NM_001349249.1, NM_001349248.1, NM_001265609.2 and 1 more transcripts); c.1016+5G>C (NM_014965.5).
Identifiers: ClinVar variation 2125695 (VCV002125695.4), dbSNP rs770684926, ClinGen allele CA2580069835.